The following is an entry in ClinVar:

NM_001375524.1(TRRAP):c.8226G>C (p.Glu2742Asp)

Gene: TRRAP (transformation/transcription domain associated protein; plus strand). Cytogenetic location: 7q22.1.
Variant type: single nucleotide variant.
Coding change: c.8226G>C on transcript NM_001375524.1 (MANE Select); coding-DNA position 8226, G replaced by C.
Protein change: p.Glu2742Asp; replaces glutamic acid 2742 with aspartic acid.
Molecular consequence: missense variant.
Genome position (GRCh38, 1-based): chr7:98,976,749, G>C. VCF-style: chr7-98976749-G-C. GRCh37 (hg19) VCF-style: chr7-98574372-G-C.
Other names: c.8205G>C, p.Glu2735Asp (NM_001244580.2); c.8151G>C, p.Glu2717Asp (NM_003496.4); short protein forms E2717D, E2735D, E2742D.
Identifiers: ClinVar variation 2412844 (VCV002412844.4), dbSNP rs753374270, ClinGen allele CA368303998.
Genomic context (GRCh38, chr7:98,976,749, plus strand): 5'-TGAAAAGGGTCTGAGTCTTCAGATTAAGCCGAAGCAAACAACGGAGTTTTATGAGCAGGA[G>C]AGCATCACCCCGCCGCAGCAGGTGAGGGTGCGCCTCAGTTTGTTAATTACCTCTTCCCTG-3'
Protein context (NP_001362453.1, residues 2732-2752): PKQTTEFYEQ[Glu2742Asp]SITPPQQEIL

ClinVar aggregate classification (germline): Uncertain significance (1 of 4 stars; one submission).

gnomAD v4.1: 4 of 1,613,556 alleles (0.00025%); highest among the groups gnomAD compares: Non-Finnish European, 0.00034%; no homozygotes.

Submission:

GeneDx
Classification: Uncertain significance. Last evaluated: 2023-07-19. Review status: criteria provided, single submitter. Criteria: GeneDx Variant Classification Process June 2021. Collection method: clinical testing. Allele origin: germline.
Comment: Not observed at significant frequency in large population cohorts (gnomAD); In silico analysis supports that this missense variant does not alter protein structure/function; Has not been previously published as pathogenic or benign to our knowledge